The following is an entry in ClinVar:

ClinVar aggregate classification (germline): Uncertain significance (1 of 4 stars; one submission).

Conditions:
Agenesis of the corpus callosum with peripheral neuropathy (ACCPN). Also called: CHARLEVOIX DISEASE; HMSN/ACC; Hereditary Motor and Sensory Neuropathy with Agenesis of the Corpus Callosum; POLYNEUROPATHY, SENSORIMOTOR, WITH OR WITHOUT AGENESIS OF THE CORPUS CALLOSUM. Identifiers: Orphanet 1496, MedGen C0795950, MONDO:0000902, OMIM 218000. Disease mechanism: loss of function.

Submission:

Myriad Genetics, Inc.
Classification: Uncertain significance for Agenesis of the corpus callosum with peripheral neuropathy. Last evaluated: 2026-03-04. Review status: criteria provided, single submitter. Criteria: Myriad Autosomal Dominant, Autosomal Recessive and X-Linked Classification Criteria (2023). Collection method: clinical testing. Allele origin: unknown.
Comment: NM_133647.1(SLC12A6):c.316+1G>C is a variant in a canonical splice site classified as a variant of uncertain significance in the context of Andermann syndrome. c.316+1G>C has not been observed in cases with relevant disease. Relevant functional assessments of this variant are not available in the literature. c.316+1G>C has not been observed in referenced population frequency databases. In summary, there is insufficient evidence to classify NM_133647.1(SLC12A6):c.316+1G>C as pathogenic or benign. Please note: this variant was assessed in the context of healthy population screening.

NM_001365088.1(SLC12A6):c.316+1G>C

Gene: SLC12A6 (solute carrier family 12 member 6; minus strand). Cytogenetic location: 15q14.
Variant type: single nucleotide variant.
Coding change: c.316+1G>C on transcript NM_001365088.1 (MANE Select); the canonical splice donor site of the intron after coding-DNA position 316, G replaced by C.
Molecular consequence: splice donor variant. On other transcripts: intron variant (1).
Genome position (GRCh38, 1-based): chr15:34,275,344, C>G on the plus strand (G>C on the coding strand, the complement: SLC12A6 is on the minus strand). VCF-style: chr15-34275344-C-G. GRCh37 (hg19) VCF-style: chr15-34567545-C-G.
Other names: c.139+1G>C (NM_001042495.2, NM_001042494.2); c.289+1G>C (NM_001042496.2); c.272-14324G>C (NM_001042497.2); c.316+1G>C (NM_133647.2); c.163+1G>C (NM_005135.2).
Identifiers: ClinVar variation 5004510 (VCV005004510.1).